The following is an entry in ClinVar:

ClinVar aggregate classification (germline): Uncertain significance (1 of 4 stars; one submission).

Conditions:
Autosomal recessive limb-girdle muscular dystrophy type 2Y (MRRSDC). Also called: Muscular dystrophy, autosomal recessive, with rigid spine and distal joint contractures; Muscular dystrophy, limb-girdle, type 2y. Identifiers: Orphanet 424261, MedGen C4511482, MONDO:0014900, OMIM 617072.

Allele frequency attached by ClinVar (database versions not stated): ExAC 0.00003; gnomAD exomes 0.00006 and 0.00008; TOPMed 0.00006; gnomAD 0.00007 and 0.00008.
gnomAD v4.1: 121 of 1,592,160 alleles (0.0076%); highest among the groups gnomAD compares: Admixed American, 0.016%; no homozygotes.

Submission:

Labcorp Genetics (formerly Invitae), Labcorp
Classification: Uncertain significance for Autosomal recessive limb-girdle muscular dystrophy type 2Y. Last evaluated: 2025-08-17. Review status: criteria provided, single submitter. Criteria: Invitae Variant Classification Sherloc (09022015). Collection method: clinical testing. Allele origin: germline.
Comment: This sequence change replaces threonine, which is neutral and polar, with alanine, which is neutral and non-polar, at codon 271 of the TOR1AIP1 protein (p.Thr271Ala). This variant is present in population databases (rs780046037, gnomAD 0.01%). This variant has not been reported in the literature in individuals affected with TOR1AIP1-related conditions. ClinVar contains an entry for this variant (Variation ID: 848384). Invitae Evidence Modeling of protein sequence and biophysical properties (such as structural, functional, and spatial information, amino acid conservation, physicochemical variation, residue mobility, and thermodynamic stability) indicates that this missense variant is not expected to disrupt TOR1AIP1 protein function with a negative predictive value of 80%. In summary, the available evidence is currently insufficient to determine the role of this variant in disease. Therefore, it has been classified as a Variant of Uncertain Significance.

NM_015602.4(TOR1AIP1):c.808A>G (p.Thr270Ala)

Gene: TOR1AIP1 (torsin 1A interacting protein 1; plus strand). Cytogenetic location: 1q25.2.
Variant type: single nucleotide variant.
Coding change: c.808A>G on transcript NM_015602.4 (MANE Select); coding-DNA position 808, A replaced by G.
Protein change: p.Thr270Ala; replaces threonine 270 with alanine.
Molecular consequence: missense variant.
Genome position (GRCh38, 1-based): chr1:179,907,834, A>G. VCF-style: chr1-179907834-A-G. GRCh37 (hg19) VCF-style: chr1-179876969-A-G.
Other names: c.811A>G, p.Thr271Ala (NM_001267578.2); short protein forms T271A, T270A.
Identifiers: ClinVar variation 848384 (VCV000848384.8), dbSNP rs780046037, ClinGen allele CA1268962.